The following is an entry in ClinVar:

NM_001005373.4(LRSAM1):c.369T>G (p.Ile123Met)

Gene: LRSAM1 (leucine rich repeat and sterile alpha motif containing 1; plus strand). Cytogenetic location: 9q33.3.
Variant type: single nucleotide variant.
Coding change: c.369T>G on transcript NM_001005373.4 (MANE Select); coding-DNA position 369, T replaced by G.
Protein change: p.Ile123Met; replaces isoleucine 123 with methionine.
Molecular consequence: missense variant. On other transcripts: 5 prime UTR variant (1), non-coding transcript variant (2).
Genome position (GRCh38, 1-based): chr9:127,461,220, T>G. VCF-style: chr9-127461220-T-G. GRCh37 (hg19) VCF-style: chr9-130223499-T-G.
Other names: c.369T>G, p.Ile123Met (NM_001005374.4, NM_001190723.3, NM_001384142.1 and 2 more transcripts); c.-416T>G (NM_001384144.1); short protein forms I123M.
Identifiers: ClinVar variation 1878785 (VCV001878785.1), dbSNP rs2539324032, ClinGen allele CA374968015.

ClinVar aggregate classification (germline): Uncertain significance (1 of 4 stars; one submission).

Submission:

GeneDx
Classification: Uncertain significance. Last evaluated: 2022-07-14. Review status: criteria provided, single submitter. Criteria: GeneDx Variant Classification Process June 2021. Collection method: clinical testing. Allele origin: germline. Affected: yes.
Comment: Not observed at significant frequency in large population cohorts (gnomAD); In silico analysis supports that this missense variant does not alter protein structure/function; Has not been previously published as pathogenic or benign to our knowledge